The following is an entry in ClinVar:

NM_004380.3(CREBBP):c.2114-10G>T

Gene: CREBBP (CREB binding lysine acetyltransferase; minus strand). Cytogenetic location: 16p13.3.
Variant type: single nucleotide variant.
Coding change: c.2114-10G>T on transcript NM_004380.3 (MANE Select); 10 bases into the intron before coding-DNA position 2114, G replaced by T.
Molecular consequence: intron variant.
Genome position (GRCh38, 1-based): chr16:3,777,667, C>A on the plus strand (G>T on the coding strand, the complement: CREBBP is on the minus strand). VCF-style: chr16-3777667-C-A. GRCh37 (hg19) VCF-style: chr16-3827668-C-A.
Other names: c.2000-10G>T (NM_001079846.1).
Identifiers: ClinVar variation 4997675 (VCV004997675.1).

ClinVar aggregate classification (germline): Likely benign (1 of 4 stars; one submission).

Conditions:
CREBBP-related disorder. Also called: CREBBP-related condition; CREBBP-related disorders.

Submission:

PreventionGenetics, part of Exact Sciences
Classification: Likely benign for CREBBP-related condition. Last evaluated: 2024-11-18. Review status: criteria provided, single submitter. Criteria: ACMG Guidelines, 2015. Collection method: clinical testing. Allele origin: germline.
Comment: This variant is classified as likely benign based on ACMG/AMP sequence variant interpretation guidelines (Richards et al. 2015 PMID: 25741868, with internal and published modifications).